The following is an entry in ClinVar:

NM_000391.4(TPP1):c.800G>A (p.Gly267Asp)

Gene: TPP1 (tripeptidyl peptidase 1; minus strand). Cytogenetic location: 11p15.4.
Variant type: single nucleotide variant.
Coding change: c.800G>A on transcript NM_000391.4 (MANE Select); coding-DNA position 800, G replaced by A.
Protein change: p.Gly267Asp; replaces glycine 267 with aspartic acid.
Molecular consequence: missense variant.
Genome position (GRCh38, 1-based): chr11:6,616,747, C>T on the plus strand (G>A on the coding strand, the complement: TPP1 is on the minus strand). VCF-style: chr11-6616747-C-T. GRCh37 (hg19) VCF-style: chr11-6637978-C-T.
Other names: short protein forms G267D.
Identifiers: ClinVar variation 934966 (VCV000934966.6), dbSNP rs754314582, ClinGen allele CA5858836.

ClinVar aggregate classification (germline): Uncertain significance (1 of 4 stars; one submission).

Allele frequency attached by ClinVar (database versions not stated): gnomAD exomes 0.00001; TOPMed 0.00001; ExAC 0.00002.
gnomAD v4.1: 4 of 1,614,034 alleles (0.00025%); highest among the groups gnomAD compares: Non-Finnish European, 0.00034%; no homozygotes.

Submission:

Labcorp Genetics (formerly Invitae), Labcorp
Classification: Uncertain significance. Last evaluated: 2025-05-19. Review status: criteria provided, single submitter. Criteria: Invitae Variant Classification Sherloc (09022015). Collection method: clinical testing. Allele origin: germline.
Comment: This sequence change replaces glycine, which is neutral and non-polar, with aspartic acid, which is acidic and polar, at codon 267 of the TPP1 protein (p.Gly267Asp). This variant is present in population databases (rs754314582, gnomAD 0.003%). This variant has not been reported in the literature in individuals affected with TPP1-related conditions. ClinVar contains an entry for this variant (Variation ID: 934966). Invitae Evidence Modeling of protein sequence and biophysical properties (such as structural, functional, and spatial information, amino acid conservation, physicochemical variation, residue mobility, and thermodynamic stability) indicates that this missense variant is expected to disrupt TPP1 protein function with a positive predictive value of 95%. In summary, the available evidence is currently insufficient to determine the role of this variant in disease. Therefore, it has been classified as a Variant of Uncertain Significance.